The following is an entry in ClinVar:

NM_000264.5(PTCH1):c.4016_4036del (p.Trp1339_Arg1345del)

Gene: PTCH1 (patched 1; minus strand). Cytogenetic location: 9q22.32.
Variant type: Deletion.
Coding change: c.4016_4036del on transcript NM_000264.5 (MANE Select); coding-DNA positions 4016 to 4036, 21 bases deleted (GGGGCCCTCGCGGGGCCCGTT).
Protein change: p.Trp1339_Arg1345del.
Molecular consequence: inframe deletion. On other transcripts: non-coding transcript variant (1), inframe indel (1).
Genome position (GRCh38, 1-based): chr9:95,447,220-95,447,240, AACGGGCCCCGCGAGGGCCCC deleted on the plus strand (GGGGCCCTCGCGGGGCCCGTT on the coding strand, the reverse complement: PTCH1 is on the minus strand); deleting any 21 consecutive bases within chr9:95,447,220-95,447,241 gives the same sequence; the c. name uses the placement nearest the transcript's 3' end. VCF-style (leftmost placement, unchanged base first): chr9-95447219-GAACGGGCCCCGCGAGGGCCCC-G. GRCh37 (hg19) VCF-style: chr9-98209501-GAACGGGCCCCGCGAGGGCCCC-G.
Other names: c.3818_3838del, p.Trp1273_Arg1279del (NM_001083602.3); c.4013_4033del, p.Trp1338_Arg1344del (NM_001083603.3); c.3563_3583del, p.Trp1188_Arg1194del (NM_001083604.3, NM_001083605.3, NM_001083606.3 and 1 more transcripts); c.3860_3880del, p.Trp1287_Arg1293del (NM_001354918.2); c.4016_4036del21 (NM_000264.3).
Identifiers: ClinVar variation 3784583 (VCV003784583.2).

ClinVar aggregate classification (germline): Conflicting classifications of pathogenicity. Review status: criteria provided, conflicting classifications (1 of 4 stars). 2 submissions from 2 submitters: Uncertain significance (1); Likely benign (1). Last evaluated 2025-10-06.

Conditions:
Gorlin syndrome. Also called: Nevoid Basal Cell Carcinoma Syndrome; Basal cell nevus syndrome. Identifiers: Orphanet 377, MedGen C0004779, MONDO:0007187.
Hereditary cancer-predisposing syndrome. Also called: Hereditary Cancer Syndrome; Hereditary neoplastic syndrome; Tumor predisposition; Neoplastic Syndromes, Hereditary. Identifiers: Orphanet 140162, MedGen C0027672, MeSH D009386, MONDO:0015356.

Submissions (2):

Labcorp Genetics (formerly Invitae), Labcorp
Classification: Likely benign for Gorlin syndrome. Last evaluated: 2025-10-06. Review status: criteria provided, single submitter. Criteria: Invitae Variant Classification Sherloc (09022015). Collection method: clinical testing. Allele origin: germline.

Ambry Genetics
Classification: Uncertain significance for Hereditary cancer-predisposing syndrome. Last evaluated: 2024-12-22. Review status: criteria provided, single submitter. Criteria: Ambry Variant Classification Scheme 2023. Collection method: clinical testing. Allele origin: germline.
Comment: The c.4016_4036del21 variant (also known as p.W1339_R1345del) is located in coding exon 23 of the PTCH1 gene. This variant results from an in-frame deletion of 21 nucleotides (GGGGCCCTCGCGGGGCCCGTT) at positions 4016 to 4036. This results in the in-frame deletion of 7 amino acids (WGPRGAR) at codons 1339 to 1345. This amino acid region is not well conserved in available vertebrate species. In addition, the in silico prediction for this alteration is inconclusive (Choi Y et al. PLoS ONE. 2012; 7(10):e46688). Based on the available evidence, the clinical significance of this variant remains unclear.